The following is an entry in ClinVar:

ClinVar aggregate classification (germline): Likely benign. Review status: criteria provided, single submitter (1 of 4 stars). 2 submissions from 2 submitters: Likely benign (1). 1 of the submissions does not count toward it. Last evaluated 2025-09-15.

Conditions:
PKD1-related disorder. Also called: PKD1-related condition.

Allele frequency attached by ClinVar (database versions not stated): gnomAD 0.00002; TOPMed 0.00002; gnomAD exomes 0.00003.
gnomAD v4.1: 51 of 1,594,598 alleles (0.0032%); highest among the groups gnomAD compares: Non-Finnish European, 0.0044%; no homozygotes.

Submissions (2):

Women's Health and Genetics/Laboratory Corporation of America, LabCorp
Classification: Likely benign. Last evaluated: 2025-09-15. Review status: criteria provided, single submitter. Criteria: LabCorp Variant Classification Summary - May 2015. Collection method: clinical testing. Allele origin: germline.

PreventionGenetics, part of Exact Sciences
Classification: Likely benign for PKD1-related condition. Last evaluated: 2019-12-04. Review status: no assertion criteria provided. Collection method: clinical testing. Allele origin: germline. Not counted in ClinVar's aggregate classification.
Comment: This variant is classified as likely benign based on ACMG/AMP sequence variant interpretation guidelines (Richards et al. 2015 PMID: 25741868, with internal and published modifications).

NM_001009944.3(PKD1):c.5523G>T (p.Val1841=)

Gene: PKD1 (polycystin 1, transient receptor potential channel interacting; minus strand). Cytogenetic location: 16p13.3.
Variant type: single nucleotide variant.
Coding change: c.5523G>T on transcript NM_001009944.3 (MANE Select); coding-DNA position 5523, G replaced by T.
Protein change: p.Val1841=; no amino-acid change (valine 1841 retained).
Molecular consequence: synonymous variant.
Genome position (GRCh38, 1-based): chr16:2,109,644, C>A on the plus strand (G>T on the coding strand, the complement: PKD1 is on the minus strand). VCF-style: chr16-2109644-C-A. GRCh37 (hg19) VCF-style: chr16-2159645-C-A.
Other names: c.5523G>T, p.Val1841= (NM_000296.4).
Identifiers: ClinVar variation 3048614 (VCV003048614.3), dbSNP rs766252073, ClinGen allele CA7831956.